The following is an entry in ClinVar:

NM_001122764.3(PPOX):c.1123C>T (p.Gln375Ter)

Gene: PPOX (protoporphyrinogen oxidase; plus strand). Cytogenetic location: 1q23.3.
Variant type: single nucleotide variant.
Coding change: c.1123C>T on transcript NM_001122764.3 (MANE Select); coding-DNA position 1123, C replaced by T.
Protein change: p.Gln375Ter; replaces glutamine 375 with a stop codon.
Molecular consequence: nonsense.
Genome position (GRCh38, 1-based): chr1:161,170,644, C>T. VCF-style: chr1-161170644-C-T. GRCh37 (hg19) VCF-style: chr1-161140434-C-T.
Other names: c.1123C>T, p.Gln375Ter (NM_000309.5, NM_001365398.1); c.1024C>T, p.Gln342Ter (NM_001350128.2); c.715C>T, p.Gln239Ter (NM_001350129.2, NM_001365400.1); c.637C>T, p.Gln213Ter (NM_001350130.2, NM_001350131.2, NM_001365401.1); c.1012C>T, p.Gln338Ter (NM_001365399.1); short protein forms Q213*, Q239*, Q338*, Q342*, Q375*.
Identifiers: ClinVar variation 3775017 (VCV003775017.1).
Genomic context (GRCh38, chr1:161,170,644, plus strand): 5'-AAGGCCAGACTGATCAGTGCTATATTCCCTCCTTAGGTGATGCTGGGAGGTTCCTGGTTA[C>T]AGACACTGGAGGCTAGTGGCTGTGTCTTATCTCAGGAGCTGTTTCAACAGCGGGCCCAGG-3'

ClinVar aggregate classification (germline): Likely pathogenic (1 of 4 stars; one submission).

Conditions:
Variegate porphyria (VP). Also called: PORPHYRIA, SOUTH AFRICAN TYPE; PROTOPORPHYRINOGEN OXIDASE DEFICIENCY; PPOX DEFICIENCY. Identifiers: Orphanet 79473, MedGen C0162532, MONDO:0008297, OMIM 176200.

gnomAD v4.1: 3 of 1,614,072 alleles (0.00019%); highest among the groups gnomAD compares: Non-Finnish European, 0.00025%; no homozygotes.

Submission:

Department of Human Genetics, Hannover Medical School
Classification: Likely pathogenic for Variegate porphyria. Last evaluated: 2025-04-03. Review status: criteria provided, single submitter. Criteria: ACMG Guidelines, 2015. Collection method: clinical testing. Allele origin: germline. Inheritance: Autosomal dominant inheritance. Affected: yes.
Comment: ACMG: PVS1, PM2_Supporing